The following is an entry in ClinVar:

NC_000015.10:g.84817238C>A

Gene: ALPK3 (alpha kinase 3; plus strand). Cytogenetic location: 15q25.3.
Variant type: single nucleotide variant.
Genome position: GRCh38 VCF-style: chr15-84817238-C-A. GRCh37 (hg19) VCF-style: chr15-85360469-C-A.
Identifiers: ClinVar variation 4764369 (VCV004764369.1).
Genomic context (GRCh38, chr15:84,817,238, plus strand): 5'-ACCAGGGCCGCCAAGGGAGCGGACTCGGAGCCGGCCCTGGGGCGGGCACATGGGCCCCGG[C>A]GCCCCCCGGCGTCTCCAAGCCGCGCTGCCCGGGTCGGGCCAGGCCAGGGGAGGGACAGCA-3'

ClinVar aggregate classification (germline): Uncertain significance (1 of 4 stars; one submission).

Submission:

Labcorp Genetics (formerly Invitae), Labcorp
Classification: Uncertain significance. Last evaluated: 2025-03-15. Review status: criteria provided, single submitter. Criteria: Invitae Variant Classification Sherloc (09022015). Collection method: clinical testing. Allele origin: germline.
Comment: This sequence change replaces alanine, which is neutral and non-polar, with glutamic acid, which is acidic and polar, at codon 131 of the ALPK3 protein (p.Ala131Glu). The frequency data for this variant in the population databases is considered unreliable, as metrics indicate poor data quality at this position in the gnomAD database. This variant has not been reported in the literature in individuals affected with ALPK3-related conditions. An algorithm developed to predict the effect of missense changes on protein structure and function (PolyPhen-2) suggests that this variant is likely to be tolerated. In summary, the available evidence is currently insufficient to determine the role of this variant in disease. Therefore, it has been classified as a Variant of Uncertain Significance.